The following is an entry in ClinVar:

NM_001308093.3(GATA4):c.194G>T (p.Gly65Val)

Gene: GATA4 (GATA binding protein 4). Cytogenetic location: 8p23.1.
Variant type: single nucleotide variant.
Coding change: c.194G>T on transcript NM_001308093.3 (MANE Select); coding-DNA position 194, G replaced by T.
Protein change: p.Gly65Val; replaces glycine 65 with valine.
Molecular consequence: missense variant. On other transcripts: intron variant (3).
Genome position (GRCh38, 1-based): chr8:11,708,506, G>T. VCF-style: chr8-11708506-G-T. GRCh37 (hg19) VCF-style: chr8-11566015-G-T.
Other names: c.194G>T, p.Gly65Val (NM_002052.5); c.-6+7728G>T (NM_001308094.2); c.-3+492G>T (NM_001374274.1); c.-3+4202G>T (NM_001374273.1); short protein forms G65V.
Identifiers: ClinVar variation 4807734 (VCV004807734.1).

ClinVar aggregate classification (germline): Uncertain significance (1 of 4 stars; one submission).

Conditions:
Atrioventricular septal defect 4 (AVSD4). Identifiers: MedGen C3280781, MONDO:0013747, OMIM 614430.

Submission:

Labcorp Genetics (formerly Invitae), Labcorp
Classification: Uncertain significance for Atrioventricular septal defect 4. Last evaluated: 2025-07-02. Review status: criteria provided, single submitter. Criteria: Invitae Variant Classification Sherloc (09022015). Collection method: clinical testing. Allele origin: germline.
Comment: This sequence change replaces glycine, which is neutral and non-polar, with valine, which is neutral and non-polar, at codon 65 of the GATA4 protein (p.Gly65Val). This variant is not present in population databases (gnomAD no frequency). This variant has not been reported in the literature in individuals affected with GATA4-related conditions. Invitae Evidence Modeling of protein sequence and biophysical properties (such as structural, functional, and spatial information, amino acid conservation, physicochemical variation, residue mobility, and thermodynamic stability) has been performed for this missense variant. However, the output from this modeling did not meet the statistical confidence thresholds required to predict the impact of this variant on GATA4 protein function. In summary, the available evidence is currently insufficient to determine the role of this variant in disease. Therefore, it has been classified as a Variant of Uncertain Significance.